The following is an entry in ClinVar:

ClinVar aggregate classification (germline): Uncertain significance. Review status: criteria provided, multiple submitters, no conflicts (2 of 4 stars). 2 submissions from 2 submitters: Uncertain significance (2). Last evaluated 2022-12-19.

Conditions:
Inborn genetic diseases. Identifiers: MedGen C0950123, MeSH D030342.
Neonatal-onset encephalopathy with rigidity and seizures. Also called: Lethal neonatal spasticity-epileptic encephalopathy syndrome. Identifiers: Orphanet 435845, MedGen C3281029, MONDO:0013784, OMIM 614498.

Allele frequency attached by ClinVar (database versions not stated): gnomAD exomes 0.00001 and 0.00002; gnomAD 0.00001 and 0.00002; TOPMed 0.00002; ExAC 0.00003.
gnomAD v4.1: 16 of 1,605,932 alleles (0.001%); highest among the groups gnomAD compares: Admixed American, 0.0017%; no homozygotes.

Submissions (2):

Ambry Genetics
Classification: Uncertain significance for Inborn genetic diseases. Last evaluated: 2022-12-19. Review status: criteria provided, single submitter. Criteria: Ambry Variant Classification Scheme 2023. Collection method: clinical testing. Allele origin: germline.

Labcorp Genetics (formerly Invitae), Labcorp
Classification: Uncertain significance for Neonatal-onset encephalopathy with rigidity and seizures. Last evaluated: 2019-03-13. Review status: criteria provided, single submitter. Criteria: Invitae Variant Classification Sherloc (09022015). Collection method: clinical testing. Allele origin: germline.
Comment: In summary, the available evidence is currently insufficient to determine the role of this variant in disease. Therefore, it has been classified as a Variant of Uncertain Significance. Algorithms developed to predict the effect of missense changes on protein structure and function (SIFT, PolyPhen-2, Align-GVGD) all suggest that this variant is likely to be tolerated, but these predictions have not been confirmed by published functional studies and their clinical significance is uncertain. This variant has not been reported in the literature in individuals with BRAT1-related disease. This variant is present in population databases (rs771033486, ExAC 0.006%). This sequence change replaces lysine with asparagine at codon 213 of the BRAT1 protein (p.Lys213Asn). The lysine residue is weakly conserved and there is a moderate physicochemical difference between lysine and asparagine.

NM_152743.4(BRAT1):c.639G>C (p.Lys213Asn)

Gene: BRAT1 (BRCA1 associated ATM activator 1; minus strand). Cytogenetic location: 7p22.3.
Variant type: single nucleotide variant.
Coding change: c.639G>C on transcript NM_152743.4 (MANE Select); coding-DNA position 639, G replaced by C.
Protein change: p.Lys213Asn; replaces lysine 213 with asparagine.
Molecular consequence: missense variant. On other transcripts: non-coding transcript variant (1).
Genome position (GRCh38, 1-based): chr7:2,543,754, C>G on the plus strand (G>C on the coding strand, the complement: BRAT1 is on the minus strand). VCF-style: chr7-2543754-C-G. GRCh37 (hg19) VCF-style: chr7-2583388-C-G.
Other names: c.639G>C, p.Lys213Asn (NM_001350626.2); c.114G>C, p.Lys38Asn (NM_001350627.2); short protein forms K213N, K38N.
Identifiers: ClinVar variation 540175 (VCV000540175.11), dbSNP rs771033486, ClinGen allele CA4128138.